The following is an entry in ClinVar:

NM_031157.4(HNRNPA1):c.531T>G (p.Val177=)

Gene: HNRNPA1 (heterogeneous nuclear ribonucleoprotein A1; plus strand). Cytogenetic location: 12q13.13.
Variant type: single nucleotide variant.
Coding change: c.531T>G on transcript NM_031157.4 (MANE Select); coding-DNA position 531, T replaced by G.
Protein change: p.Val177=; no amino-acid change (valine 177 retained).
Molecular consequence: synonymous variant. On other transcripts: non-coding transcript variant (1).
Genome position (GRCh38, 1-based): chr12:54,282,434, T>G. VCF-style: chr12-54282434-T-G. GRCh37 (hg19) VCF-style: chr12-54676218-T-G.
Other names: c.531T>G, p.Val177= (NM_002136.4).
Identifiers: ClinVar variation 3352765 (VCV003352765.1).

ClinVar aggregate classification (germline): Likely benign (0 of 4 stars; one submission).

Conditions:
HNRNPA1-related disorder. Also called: HNRNPA1-related condition.

gnomAD v4.1: 51 of 1,613,750 alleles (0.0032%); highest among the groups gnomAD compares: African/African-American, 0.0067%; no homozygotes.

Submission:

PreventionGenetics, part of Exact Sciences
Classification: Likely benign for HNRNPA1-related condition. Last evaluated: 2024-03-18. Review status: no assertion criteria provided. Collection method: clinical testing. Allele origin: germline.
Comment: This variant is classified as likely benign based on ACMG/AMP sequence variant interpretation guidelines (Richards et al. 2015 PMID: 25741868, with internal and published modifications).